The following is an entry in ClinVar:

ClinVar aggregate classification (germline): Uncertain significance (1 of 4 stars; one submission).

gnomAD v4.1: 5 of 1,613,944 alleles (0.00031%); highest among the groups gnomAD compares: Middle Eastern, 0.017%; no homozygotes.

Submission:

CeGaT Center for Human Genetics Tuebingen
Classification: Uncertain significance. Last evaluated: 2025-06-01. Review status: criteria provided, single submitter. Criteria: CeGaT Center For Human Genetics Tuebingen Variant Classification Criteria Version 2. Collection method: clinical testing. Allele origin: germline. Affected: yes. Observed: 1 variant allele.
Comment: CAMK2A: PM2, PP2

NM_015981.4(CAMK2A):c.566C>T (p.Pro189Leu)

Gene: CAMK2A (calcium/calmodulin dependent protein kinase II alpha; minus strand). Cytogenetic location: 5q32.
Variant type: single nucleotide variant.
Coding change: c.566C>T on transcript NM_015981.4 (MANE Select); coding-DNA position 566, C replaced by T.
Protein change: p.Pro189Leu; replaces proline 189 with leucine.
Molecular consequence: missense variant.
Genome position (GRCh38, 1-based): chr5:150,252,014, G>A on the plus strand (C>T on the coding strand, the complement: CAMK2A is on the minus strand). VCF-style: chr5-150252014-G-A. GRCh37 (hg19) VCF-style: chr5-149631577-G-A.
Other names: c.566C>T, p.Pro189Leu (NM_001363989.1, NM_001363990.1, NM_001369025.2 and 1 more transcripts); short protein forms P189L.
Identifiers: ClinVar variation 4084055 (VCV004084055.8).
Genomic context (GRCh38, chr5:150,252,014, plus strand): 5'-GCACAAAAGGGCCTTAGGATGAACTCACCACAAGCCCACAGGTCCACAGGCTTCCCGTAC[G>A]GGTCCTTCCGCAGCACTTCTGGGGAGAGATATCCAGGAGTCCCTGCAAACCCTGCTCCCA-3'
Protein context (NP_057065.2, residues 179-199): YLSPEVLRKD[Pro189Leu]YGKPVDLWAC